The following is an entry in ClinVar:

NM_013275.6(ANKRD11):c.2995C>G (p.Pro999Ala)

Gene: ANKRD11 (ankyrin repeat domain containing 11; minus strand). Cytogenetic location: 16q24.3.
Variant type: single nucleotide variant.
Coding change: c.2995C>G on transcript NM_013275.6 (MANE Select); coding-DNA position 2995, C replaced by G.
Protein change: p.Pro999Ala; replaces proline 999 with alanine.
Molecular consequence: missense variant.
Genome position (GRCh38, 1-based): chr16:89,283,547, G>C on the plus strand (C>G on the coding strand, the complement: ANKRD11 is on the minus strand). VCF-style: chr16-89283547-G-C. GRCh37 (hg19) VCF-style: chr16-89349955-G-C.
Other names: c.2995C>G, p.Pro999Ala (NM_001256182.2, NM_001256183.2); short protein forms P999A.
Identifiers: ClinVar variation 2633587 (VCV002633587.1), dbSNP rs1381938580, ClinGen allele CA397160834.

ClinVar aggregate classification (germline): Uncertain significance (1 of 4 stars; one submission).

Conditions:
ANKRD11-related disorder. Also called: ANKRD11-related condition.

Allele frequency attached by ClinVar (database versions not stated): TOPMed 0.00001.

Submission:

PreventionGenetics, part of Exact Sciences
Classification: Uncertain significance for ANKRD11-related condition. Last evaluated: 2023-04-03. Review status: criteria provided, single submitter. Criteria: ACMG Guidelines, 2015. Collection method: clinical testing. Allele origin: germline.
Comment: The ANKRD11 c.2995C>G variant is predicted to result in the amino acid substitution p.Pro999Ala. To our knowledge, this variant has not been reported in the literature or in a large population database, indicating this variant is rare. At this time, the clinical significance of this variant is uncertain due to the absence of conclusive functional and genetic evidence.